The following is an entry in ClinVar:

NM_001365276.2(TNXB):c.8047A>G (p.Ile2683Val)

Gene: TNXB (tenascin XB; minus strand). Cytogenetic location: 6p21.33.
Variant type: single nucleotide variant.
Coding change: c.8047A>G on transcript NM_001365276.2 (MANE Select); coding-DNA position 8047, A replaced by G.
Protein change: p.Ile2683Val; replaces isoleucine 2683 with valine.
Molecular consequence: missense variant.
Genome position (GRCh38, 1-based): chr6:32,056,682, T>C on the plus strand (A>G on the coding strand, the complement: TNXB is on the minus strand). VCF-style: chr6-32056682-T-C. GRCh37 (hg19) VCF-style: chr6-32024459-T-C.
Other names: c.8788A>G, p.Ile2930Val (NM_001428335.1); c.8047A>G, p.Ile2683Val (NM_019105.8); short protein forms I2683V, I2930V.
Identifiers: ClinVar variation 3227330 (VCV003227330.3), dbSNP rs1330015988, ClinGen allele CA363549876.

ClinVar aggregate classification (germline): Uncertain significance. Review status: criteria provided, multiple submitters, no conflicts (2 of 4 stars). 2 submissions from 2 submitters: Uncertain significance (2). Last evaluated 2025-12-04.

Conditions:
Cardiovascular phenotype. Identifiers: MedGen CN230736.

Allele frequency attached by ClinVar (database versions not stated): gnomAD exomes below 0.00001.
gnomAD v4.1: 7 of 1,613,102 alleles (0.00043%); highest among the groups gnomAD compares: East Asian, 0.0022%; no homozygotes.

Submissions (2):

Ambry Genetics
Classification: Uncertain significance for Cardiovascular phenotype. Last evaluated: 2025-12-04. Review status: criteria provided, single submitter. Criteria: Ambry Variant Classification Scheme 2023. Collection method: clinical testing. Allele origin: germline.

GeneDx
Classification: Uncertain significance. Last evaluated: 2025-07-28. Review status: criteria provided, single submitter. Criteria: GeneDx Variant Classification Process June 2021. Collection method: clinical testing. Allele origin: germline. Affected: yes.
Comment: Not observed at significant frequency in large population cohorts (gnomAD); In silico analysis suggests that this missense variant does not alter protein structure/function; Has not been previously published as pathogenic or benign to our knowledge